The following is an entry in ClinVar:

NM_000137.4(FAH):c.1009G>A (p.Gly337Ser)

Gene: FAH (fumarylacetoacetate hydrolase; plus strand). Cytogenetic location: 15q25.1.
Variant type: single nucleotide variant.
Coding change: c.1009G>A on transcript NM_000137.4 (MANE Select); coding-DNA position 1009, G replaced by A.
Protein change: p.Gly337Ser; replaces glycine 337 with serine.
Molecular consequence: missense variant.
Genome position (GRCh38, 1-based): chr15:80,180,172, G>A. VCF-style: chr15-80180172-G-A. GRCh37 (hg19) VCF-style: chr15-80472514-G-A.
Other names: E337S; c.1009G>A, p.Gly337Ser (NM_001374377.1, NM_001374380.1); short protein forms G337S.
Identifiers: ClinVar variation 11869 (VCV000011869.29), dbSNP rs80338900, ClinGen allele CA341148.

ClinVar aggregate classification (germline): Pathogenic. Review status: criteria provided, multiple submitters, no conflicts (2 of 4 stars). 11 submissions from 11 submitters: Pathogenic (8). 3 of the submissions do not count toward it. Last evaluated 2026-04-23.

Conditions:
FAH-related disorder. Also called: FAH-related condition.
Tyrosinemia type I (TYRSN1). Also called: Deficiency of fumarylacetoacetase; HEPATORENAL TYROSINEMIA; FAH DEFICIENCY; Tyrosinemia type 1; Fumarylacetoacetase deficiency. Identifiers: Orphanet 882, MedGen C0268490, MONDO:0010161, OMIM 276700. Disease mechanism: loss of function.

Allele frequency attached by ClinVar (database versions not stated): gnomAD 0.00005 and 0.00006; gnomAD exomes 0.00006 and 0.00007; TOPMed 0.00006; ExAC 0.00012.
gnomAD v4.1: 86 of 1,610,718 alleles (0.0053%); highest among the groups gnomAD compares: African/African-American, 0.0067%; no homozygotes.

Submissions (11):

PreventionGenetics, part of Exact Sciences
Classification: Pathogenic for FAH-related condition. Last evaluated: 2026-04-23. Review status: criteria provided, single submitter. Criteria: ACMG Guidelines, 2015. Collection method: clinical testing. Allele origin: germline.
Comment: The FAH c.1009G>A variant is predicted to result in the amino acid substitution p.Gly337Ser. This variant has been shown to introduce a cryptic splice acceptor site within exon 12, which leads to aberrant splicing resulting in the loss of the first 50 nucleotides of exon 12 in a portion of FAH transcripts (Rootwelt et al. 1994. PubMed ID: 8076937). In transcripts with normal splicing patterns, the c.1009G>A variant has been reported to lead to an amino acid substitution (p.Gly337Ser) and decreased protein activity (Haghighi-Kakhki et al. 2014. PubMed ID: 24756054). This variant has been reported in both the homozygous and compound heterozygous states in tyrosinemia type I patients. In the homozygous state, it has been associated with chronic tyrosinemia type I. In patients compound heterozygous for the c.1009G>A variant and a second pathogenic FAH variant, disease severity reportedly varied from acute to chronic (Rootwelt et al. 1994. PubMed ID: 8076937; Rootwelt et al. 1996. PubMed ID: 8829657; Haghighi-Kakhki et al. 2014. PubMed ID: 24756054). It has been observed most commonly in Northern European populations (Angileri et al. 2015. PubMed ID: 25681080) and is considered a possible founder variant in Scandinavian cultures (Sniderman King et al. 2017. PubMed ID: 20301688). This variant is present in 0.018% of alleles in individuals of European (Finnish) descent in gnomAD. Based on the collective evidence, this variant is interpreted as pathogenic.

Labcorp Genetics (formerly Invitae), Labcorp
Classification: Pathogenic for Tyrosinemia type I. Last evaluated: 2026-01-30. Review status: criteria provided, single submitter. Criteria: Invitae Variant Classification Sherloc (09022015). Collection method: clinical testing. Allele origin: germline.
Comment: This sequence change replaces glycine, which is neutral and non-polar, with serine, which is neutral and polar, at codon 337 of the FAH protein (p.Gly337Ser). RNA analysis indicates that this missense change induces altered splicing and may result in an absent or altered protein product. This variant is present in population databases (rs80338900, gnomAD 0.02%). This missense change has been observed in individual(s) with tyrosinemia type 1 (PMID: 8076937, 9633815, 22554029, 24756054). In at least one individual the data is consistent with being in trans (on the opposite chromosome) from a pathogenic variant. ClinVar contains an entry for this variant (Variation ID: 11869). Invitae Evidence Modeling of protein sequence and biophysical properties (such as structural, functional, and spatial information, amino acid conservation, physicochemical variation, residue mobility, and thermodynamic stability) indicates that this missense variant is expected to disrupt FAH protein function with a positive predictive value of 80%. Studies have shown that this missense change results in removing the first 50 nucleotides of exon 12, and produces a non-functional protein and/or introduces a premature termination codon (PMID: 24756054). For these reasons, this variant has been classified as Pathogenic.

Natera, Inc.
Classification: Pathogenic for Tyrosinemia type I. Last evaluated: 2025-09-02. Review status: criteria provided, single submitter. Criteria: Natera Variant Classification Schema (03/2026). Collection method: clinical testing. Allele origin: germline.
Comment: The c.1009G>A variant in FAH is a missense variant predicted to cause substitution of glycine to serine at amino acid 337. This variant is rare in the general population with a frequency below the threshold expected for the associated phenotype(s). This variant has been observed in one or more individuals affected with the associated recessive disease, as either homozygous or compound heterozygous with a second variant (PMID: 35800472, 22554029). Computational prediction algorithms indicate this variant is likely to affect gene or protein function. Given the available evidence, this variant is classified as Pathogenic.

Center for Genomic Medicine, Rigshospitalet, Copenhagen University Hospital
Classification: Pathogenic. Last evaluated: 2025-03-04. Review status: criteria provided, single submitter. Criteria: ACMG Guidelines, 2015. Collection method: clinical testing. Allele origin: germline.

GeneDx
Classification: Pathogenic. Last evaluated: 2024-10-14. Review status: criteria provided, single submitter. Criteria: GeneDx Variant Classification Process June 2021. Collection method: clinical testing. Allele origin: germline. Affected: yes.
Comment: Published functional studies demonstrate G337S results in greatly reduced enzyme activity compared to wildtype (PMID: 31300554); Published functional studies demonstrate G337S results in aberrant splicing by introducing an acceptor splice site within exon 12, thereby deleting the first 50 nucleotides of this exon (PMID: 8076937); In silico analysis supports that this missense variant has a deleterious effect on protein structure/function; In silico analysis supports a deleterious effect on splicing; This variant is associated with the following publications: (PMID: 7757089, 9101289, 25087612, 24756054, 29625052, 8076937, 31300554, 36964991, 36451132, 9633815)

Revvity Omics, Revvity
Classification: Pathogenic for Tyrosinemia type I. Last evaluated: 2023-06-23. Review status: criteria provided, single submitter. Criteria: ACMG Guidelines, 2015. Collection method: clinical testing. Allele origin: germline.

Fulgent Genetics
Classification: Pathogenic for Tyrosinemia type I. Last evaluated: 2021-11-23. Review status: criteria provided, single submitter. Criteria: ACMG Guidelines, 2015. Collection method: clinical testing. Allele origin: unknown.

Women's Health and Genetics/Laboratory Corporation of America, LabCorp
Classification: Pathogenic for Tyrosinemia type I. Last evaluated: 2020-09-21. Review status: criteria provided, single submitter. Criteria: LabCorp Variant Classification Summary - May 2015. Collection method: clinical testing. Allele origin: germline.
Comment: Variant summary: FAH c.1009G>A (p.Gly337Ser) results in a non-conservative amino acid change located in the C-terminal domain (IPR011234) of the encoded protein sequence. Five of five in-silico tools predict a damaging effect of the variant on protein function. In addition, several computational tools predict a significant impact on normal splicing: Three predict the variant creates a 3 acceptor site. This prediction has been confirmed by a study, using fibroblast derived mRNA from a homozygous patient, which has demonstrated the variant creates a functional acceptor splice site within exon 12, resulting in aberrant splice products (Rootwelt_1994). The variant had an incomplete effect on splicing, as the full length product, coding for the missense protein, was also detected in comparable amounts to the aberrant splice products (Rootwelt_1994). Though in this study no immunoreactive FAH protein could be detected in patient fibroblasts (Rootwelt_1994), the authors later noted that the resulting protein with G337S has about 19-31 % of normal FAH activity (Rootwelt_1996). The variant allele was found at a frequency of 7.2e-05 in 248584 control chromosomes (gnomAD). This frequency is not significantly higher than expected for a pathogenic variant in FAH causing Tyrosinemia Type 1 (7.2e-05 vs 0.0025), allowing no conclusion about variant significance. c.1009G>A has been reported in the literature in multiple homozygous and compound heterozygous individuals affected with Tyrosinemia Type 1 (example: Rootwelt_1994, Rootwelt 1996, Haghighi-Kakhki_2014). These data indicate that the variant is very likely to be associated with disease. One other ClinVar submitter (evaluation after 2014) cite the variant as pathogenic. Based on the evidence outlined above, the variant was classified as pathogenic.

Counsyl
Classification: Likely pathogenic for Tyrosinemia type I. Last evaluated: 2014-12-24. Review status: no assertion criteria provided. Collection method: literature only. Allele origin: unknown. Inheritance: Autosomal recessive inheritance. Not counted in ClinVar's aggregate classification.

OMIM
Classification: Pathogenic for TYROSINEMIA, TYPE I. Last evaluated: 1995-02-01. Review status: no assertion criteria provided. Collection method: literature only. Allele origin: germline. Not counted in ClinVar's aggregate classification.

GeneReviews
No classification provided. Condition: Tyrosinemia type I. Review status: no classification provided. Collection method: literature only. Allele origin: germline. Not counted in ClinVar's aggregate classification.
Comment: Scandinavian population-specific pathogenic variant resulting from founder effect or genetic drift [Angileri et al 2015].

Literature cited by the submitters: PubMed 8076937 (cited by 4 submitters); PubMed 9633815 (cited by Labcorp Genetics (formerly Invitae), Labcorp); PubMed 22554029 (cited by 3 submitters); PubMed 24756054 (cited by 3 submitters); PubMed 35800472 (cited by Natera, Inc.); PubMed 31300554 (cited by Center for Genomic Medicine, Rigshospitalet, Copenhagen University Hospital); PubMed 8829657 (cited by Women's Health and Genetics/Laboratory Corporation of America, LabCorp); PubMed 7757089 (cited by Counsyl and OMIM); PubMed 25087612 (cited by Counsyl); NCBI Bookshelf NBK1515 (cited by GeneReviews); PubMed 20301688 (cited by GeneReviews); PubMed 25681080 (cited by GeneReviews).